The following is an entry in ClinVar:

NM_001330260.2(SCN8A):c.5046C>G (p.Ile1682Met)

Gene: SCN8A (sodium voltage-gated channel alpha subunit 8; plus strand). Cytogenetic location: 12q13.13.
Variant type: single nucleotide variant.
Coding change: c.5046C>G on transcript NM_001330260.2 (MANE Select); coding-DNA position 5046, C replaced by G.
Protein change: p.Ile1682Met; replaces isoleucine 1682 with methionine.
Molecular consequence: missense variant.
Genome position (GRCh38, 1-based): chr12:51,806,532, C>G. VCF-style: chr12-51806532-C-G. GRCh37 (hg19) VCF-style: chr12-52200316-C-G.
Other names: c.4923C>G, p.Ile1641Met (NM_001177984.3, NM_001369788.1); c.5046C>G, p.Ile1682Met (NM_014191.4); c.5046C>G (NM_014191.3); short protein forms I1641M, I1682M.
Identifiers: ClinVar variation 3775337 (VCV003775337.3).

ClinVar aggregate classification (germline): Conflicting classifications of pathogenicity. Review status: criteria provided, conflicting classifications (1 of 4 stars). 2 submissions from 2 submitters: Likely pathogenic (1); Uncertain significance (1). Last evaluated 2024-11-07.

Conditions:
SCN8A-related disorder.

gnomAD v4.1: 1 of 1,614,148 alleles (0.000062%); highest among the groups gnomAD compares: Non-Finnish European, 0.000085%; no homozygotes.

Submissions (2):

GeneDx
Classification: Uncertain significance. Last evaluated: 2024-11-07. Review status: criteria provided, single submitter. Criteria: GeneDx Variant Classification Process June 2021. Collection method: clinical testing. Allele origin: germline. Affected: yes.
Comment: Not observed at significant frequency in large population cohorts (gnomAD); In silico analysis supports that this missense variant has a deleterious effect on protein structure/function; Has not been previously published as pathogenic or benign to our knowledge; Extracellular loop between the S5 and S6 transmembrane segments of the fourth homologous domain

3billion
Classification: Likely pathogenic for SCN8A-related disorder. Last evaluated: 2024-07-22. Review status: criteria provided, single submitter. Criteria: ACMG Guidelines, 2015. Collection method: clinical testing. Allele origin: germline. Affected: yes.
Comment: The variant is observed at an extremely low frequency in the gnomAD v4.0.0 dataset (total allele frequency: <0.001%). Predicted Consequence/Location: The variant is located in a mutational hot spot and/or well-established functional domain in which established pathogenic variants have been reported (PMID: 27270488, 35188110). Missense changes are a common disease-causing mechanism. In silico tool predictions suggest damaging effect of the variant on gene or gene product [REVEL: 0.73 (>=0.6, sensitivity 0.68 and specificity 0.92)]. The same nucleotide change resulting in the same amino acid change has been previously reported to be associated with SCN8A related disorder (3billion dataset). Therefore, this variant is classified as Likely pathogenic according to the recommendation of ACMG/AMP guideline.

Literature cited by the submitters: PubMed 27270488 (cited by 3billion); PubMed 35188110 (cited by 3billion).